The following is an entry in ClinVar:

NM_004836.7(EIF2AK3):c.364A>C (p.Asn122His)

Gene: EIF2AK3 (eukaryotic translation initiation factor 2 alpha kinase 3; minus strand). Cytogenetic location: 2p11.2.
Variant type: single nucleotide variant.
Coding change: c.364A>C on transcript NM_004836.7 (MANE Select); coding-DNA position 364, A replaced by C.
Protein change: p.Asn122His; replaces asparagine 122 with histidine.
Molecular consequence: missense variant. On other transcripts: 5 prime UTR variant (1).
Genome position (GRCh38, 1-based): chr2:88,613,798, T>G on the plus strand (A>C on the coding strand, the complement: EIF2AK3 is on the minus strand). VCF-style: chr2-88613798-T-G. GRCh37 (hg19) VCF-style: chr2-88913316-T-G.
Other names: c.-90A>C (NM_001313915.2); short protein forms N122H.
Identifiers: ClinVar variation 2057389 (VCV002057389.1), dbSNP rs1269205947, ClinGen allele CA347762522.

ClinVar aggregate classification (germline): Uncertain significance (1 of 4 stars; one submission).

Allele frequency attached by ClinVar (database versions not stated): gnomAD exomes below 0.00001; TOPMed below 0.00001.
gnomAD v4.1: 2 of 1,614,048 alleles (0.00012%); highest among the groups gnomAD compares: Non-Finnish European, 0.00017%; no homozygotes.

Submission:

Labcorp Genetics (formerly Invitae), Labcorp
Classification: Uncertain significance. Last evaluated: 2022-07-21. Review status: criteria provided, single submitter. Criteria: Invitae Variant Classification Sherloc (09022015). Collection method: clinical testing. Allele origin: germline.
Comment: This sequence change replaces asparagine, which is neutral and polar, with histidine, which is basic and polar, at codon 122 of the EIF2AK3 protein (p.Asn122His). This variant is not present in population databases (gnomAD no frequency). This variant has not been reported in the literature in individuals affected with EIF2AK3-related conditions. Algorithms developed to predict the effect of missense changes on protein structure and function are either unavailable or do not agree on the potential impact of this missense change (SIFT: "Tolerated"; PolyPhen-2: "Probably Damaging"; Align-GVGD: "Class C0"). In summary, the available evidence is currently insufficient to determine the role of this variant in disease. Therefore, it has been classified as a Variant of Uncertain Significance.